The following is an entry in ClinVar:

NM_001379200.1(TBX1):c.328G>T (p.Val110Leu)

Gene: TBX1 (T-box transcription factor 1; plus strand). Cytogenetic location: 22q11.21.
Variant type: single nucleotide variant.
Coding change: c.328G>T on transcript NM_001379200.1 (MANE Select); coding-DNA position 328, G replaced by T.
Protein change: p.Val110Leu; replaces valine 110 with leucine.
Molecular consequence: missense variant.
Genome position (GRCh38, 1-based): chr22:19,761,171, G>T. VCF-style: chr22-19761171-G-T. GRCh37 (hg19) VCF-style: chr22-19748694-G-T.
Other names: c.301G>T, p.Val101Leu (NM_005992.1, NM_080646.2, NM_080647.1); short protein forms V110L, V101L.
Identifiers: ClinVar variation 1045436 (VCV001045436.8), dbSNP rs1221938042, ClinGen allele CA410681621.

ClinVar aggregate classification (germline): Uncertain significance (1 of 4 stars; one submission).

Conditions:
DiGeorge syndrome. Also called: Catch22; THIRD AND FOURTH PHARYNGEAL POUCH SYNDROME. Identifiers: Orphanet 567, MedGen C0012236, MONDO:0008564, OMIM 188400.

gnomAD v4.1: 1 of 1,528,310 alleles (0.000065%); highest among the groups gnomAD compares: Non-Finnish European, 0.000088%; no homozygotes.

Submission:

Labcorp Genetics (formerly Invitae), Labcorp
Classification: Uncertain significance for DiGeorge syndrome. Last evaluated: 2020-12-26. Review status: criteria provided, single submitter. Criteria: Invitae Variant Classification Sherloc (09022015). Collection method: clinical testing. Allele origin: germline.
Comment: In summary, the available evidence is currently insufficient to determine the role of this variant in disease. Therefore, it has been classified as a Variant of Uncertain Significance. Algorithms developed to predict the effect of missense changes on protein structure and function are either unavailable or do not agree on the potential impact of this missense change (SIFT: "Deleterious"; PolyPhen-2: "Possibly Damaging"; Align-GVGD: "Class C0"). This variant has been observed in one or more individuals who were not affected with TBX1-related conditions (Invitae). This variant is not present in population databases (ExAC no frequency). This sequence change replaces valine with leucine at codon 101 of the TBX1 protein (p.Val101Leu). The valine residue is highly conserved and there is a small physicochemical difference between valine and leucine.